The following is an entry in ClinVar:

ClinVar aggregate classification (germline): Conflicting classifications of pathogenicity. Review status: criteria provided, conflicting classifications (1 of 4 stars). 2 submissions from 2 submitters: Likely pathogenic (1); Uncertain significance (1). Last evaluated 2025-05-26.

Conditions:
Spastic paraplegia. Identifiers: MedGen C0037772, HP:0001258.
SACS-related disorder. Also called: SACS-related condition.

Allele frequency attached by ClinVar (database versions not stated): gnomAD exomes below 0.00001; TOPMed below 0.00001.
gnomAD v4.1: 1 of 1,614,220 alleles (0.000062%); highest among the groups gnomAD compares: Non-Finnish European, 0.000085%; no homozygotes.

Submissions (2):

PreventionGenetics, part of Exact Sciences
Classification: Uncertain significance for SACS-related condition. Last evaluated: 2025-05-26. Review status: criteria provided, single submitter. Criteria: ACMG Guidelines, 2015. Collection method: clinical testing. Allele origin: germline.
Comment: The SACS c.13391A>T variant is predicted to result in the amino acid substitution p.Asp4464Val. To our knowledge, this exact variant has not been reported in any affected individuals in the literature. A single clinical lab calls this change likely pathogenic in ClinVar, wherein it was noted to occur in an affected individual with a pathogenic alteration in trans. Additionally, an alternate missense change at the same amino acid position (p.Asp4464Tyr) has been reported in the homozygous state in two affected siblings (Bouhlal et al. 2011. PubMed ID: 21416271). This variant has not been reported in a large population database (gnomAD), indicating this variant is rare. Although we suspect that this variant may be pathogenic, at this time, the clinical significance of this variant is uncertain due to the absence of conclusive functional and genetic evidence.

Labcorp Genetics (formerly Invitae), Labcorp
Classification: Likely pathogenic for Spastic paraplegia. Last evaluated: 2022-09-19. Review status: criteria provided, single submitter. Criteria: Invitae Variant Classification Sherloc (09022015). Collection method: clinical testing. Allele origin: germline.
Comment: In summary, the currently available evidence indicates that the variant is pathogenic, but additional data are needed to prove that conclusively. Therefore, this variant has been classified as Likely Pathogenic. This sequence change replaces aspartic acid, which is acidic and polar, with valine, which is neutral and non-polar, at codon 4464 of the SACS protein (p.Asp4464Val). This variant is not present in population databases (gnomAD no frequency). This missense change has been observed in individual(s) with AR spastic ataxia of Charlevoix-Saguenay (Invitae; External communication). In at least one individual the data is consistent with being in trans (on the opposite chromosome) from a pathogenic variant. ClinVar contains an entry for this variant (Variation ID: 1485994). Advanced modeling of protein sequence and biophysical properties (such as structural, functional, and spatial information, amino acid conservation, physicochemical variation, residue mobility, and thermodynamic stability) has been performed at Invitae for this missense variant, however the output from this modeling did not meet the statistical confidence thresholds required to predict the impact of this variant on SACS protein function. This variant disrupts the p.Asp4464 amino acid residue in SACS. Other variant(s) that disrupt this residue have been observed in individuals with SACS-related conditions (PMID: 21416271), which suggests that this may be a clinically significant amino acid residue.

Literature cited by the submitters: PubMed 21416271 (cited by Labcorp Genetics (formerly Invitae), Labcorp).

NM_014363.6(SACS):c.13391A>T (p.Asp4464Val)

Gene: SACS (sacsin molecular chaperone; minus strand). Cytogenetic location: 13q12.12.
Variant type: single nucleotide variant.
Coding change: c.13391A>T on transcript NM_014363.6 (MANE Select); coding-DNA position 13391, A replaced by T.
Protein change: p.Asp4464Val; replaces aspartic acid 4464 with valine.
Molecular consequence: missense variant.
Genome position (GRCh38, 1-based): chr13:23,330,485, T>A on the plus strand (A>T on the coding strand, the complement: SACS is on the minus strand). VCF-style: chr13-23330485-T-A. GRCh37 (hg19) VCF-style: chr13-23904624-T-A.
Other names: c.12950A>T, p.Asp4317Val (NM_001278055.2); c.13391A>T (NM_014363.5); short protein forms D4317V, D4464V.
Identifiers: ClinVar variation 1485994 (VCV001485994.9), dbSNP rs1883393913, ClinGen allele CA387505361.